The following is an entry in ClinVar:

NM_000051.4(ATM):c.4898G>T (p.Arg1633Ile)

Gene: ATM (ATM serine/threonine kinase; plus strand). Cytogenetic location: 11q22.3.
Variant type: single nucleotide variant.
Coding change: c.4898G>T on transcript NM_000051.4 (MANE Select); coding-DNA position 4898, G replaced by T.
Protein change: p.Arg1633Ile; replaces arginine 1633 with isoleucine.
Molecular consequence: missense variant.
Genome position (GRCh38, 1-based): chr11:108,295,048, G>T. VCF-style: chr11-108295048-G-T. GRCh37 (hg19) VCF-style: chr11-108165775-G-T.
Other names: c.4898G>T, p.Arg1633Ile (NM_001351834.2); short protein forms R1633I.
Identifiers: ClinVar variation 482612 (VCV000482612.6), dbSNP rs1555101943, ClinGen allele CA382537258.

ClinVar aggregate classification (germline): Uncertain significance (1 of 4 stars; one submission).

Conditions:
Hereditary cancer-predisposing syndrome. Also called: Neoplastic Syndromes, Hereditary; Tumor predisposition; Hereditary Cancer Syndrome; Hereditary neoplastic syndrome. Identifiers: Orphanet 140162, MedGen C0027672, MeSH D009386, MONDO:0015356.

Submission:

Ambry Genetics
Classification: Uncertain significance for Hereditary cancer-predisposing syndrome. Last evaluated: 2025-08-01. Review status: criteria provided, single submitter. Criteria: Ambry Variant Classification Scheme 2023. Collection method: clinical testing. Allele origin: germline.
Comment: The p.R1633I variant (also known as c.4898G>T), located in coding exon 31 of the ATM gene, results from a G to T substitution at nucleotide position 4898. The arginine at codon 1633 is replaced by isoleucine, an amino acid with similar properties. This amino acid position is well conserved through mammals but not in all available vertebrate species. In addition, this alteration is predicted to be tolerated by in silico analysis. Based on the available evidence, the clinical significance of this variant remains unclear.